The following is an entry in ClinVar:

NM_005428.4(VAV1):c.204+11212C>G

Gene: VAV1 (vav guanine nucleotide exchange factor 1; plus strand). Cytogenetic location: 19p13.3.
Variant type: single nucleotide variant.
Coding change: c.204+11212C>G on transcript NM_005428.4 (MANE Select); 11212 bases into the intron after coding-DNA position 204, C replaced by G.
Molecular consequence: intron variant.
Genome position (GRCh38, 1-based): chr19:6,784,223, C>G. VCF-style: chr19-6784223-C-G. GRCh37 (hg19) VCF-style: chr19-6784234-C-G.
Other names: c.204+11212C>G (NM_001258206.2, NM_001258207.2).
Identifiers: ClinVar variation 2649145 (VCV002649145.24), dbSNP rs148614647, ClinGen allele CA9132142.

ClinVar aggregate classification (germline): Likely benign (1 of 4 stars; one submission).

Allele frequency attached by ClinVar (database versions not stated): 1000 Genomes Project 0.00060; ExAC 0.00075; 1000 Genomes Project 30x 0.00078; TOPMed 0.00161; gnomAD exomes 0.00174; gnomAD 0.00192.
gnomAD v4.1: 1,162 of 655,856 alleles (0.18%); highest among the groups gnomAD compares: Non-Finnish European, 0.28%; 1 homozygote.

Submission:

CeGaT Center for Human Genetics Tuebingen
Classification: Likely benign. Last evaluated: 2024-02-01. Review status: criteria provided, single submitter. Criteria: CeGaT Center For Human Genetics Tuebingen Variant Classification Criteria Version 2. Collection method: clinical testing. Allele origin: germline. Affected: yes. Observed: 3 variant alleles.
Comment: VAV1: BS2